The following is an entry in ClinVar:

ClinVar aggregate classification (germline): Benign (1 of 4 stars; one submission).

Conditions:
Leigh syndrome (NULS). Also called: Leigh's necrotizing encephalopathy; Leigh's disease; Leigh Syndrome (mtDNA deletion); Leigh Disease; Subacute necrotizing encephalopathy; Necrotizing encephalopathy infantile subacute of Leigh. Identifiers: Orphanet 506, MedGen C2931891, MONDO:0009723, OMIM 256000.

Submission:

Wong Mito Lab, Molecular and Human Genetics, Baylor College of Medicine
Classification: Benign for Leigh syndrome. Last evaluated: 2019-10-17. Review status: criteria provided, single submitter. Criteria: Modified ACMG Guidelines (Unpublished). Collection method: clinical testing. Allele origin: germline.
Comment: The NC_012920.1:m.9110T>C (YP_003024031.1:p.Ile195Thr) variant in MTATP6 gene is interpretated to be a Benign variant based on the modified ACMG guidelines (unpublished). This variant meets the following evidence codes: BS1, BS2, BP4

NC_012920.1(MT-ATP6):m.9110T>C

Gene: MT-ATP6 (mitochondrially encoded ATP synthase 6; plus strand).
Variant type: single nucleotide variant.
Genome position: chrM-9110-T-C.
Identifiers: ClinVar variation 693096 (VCV000693096.1), dbSNP rs1603222087, ClinGen allele CA414802234.